The following is an entry in ClinVar:

NM_025114.4(CEP290):c.2962C>T (p.Gln988Ter)

Gene: CEP290 (centrosomal protein 290; minus strand). Cytogenetic location: 12q21.32.
Variant type: single nucleotide variant.
Coding change: c.2962C>T on transcript NM_025114.4 (MANE Select); coding-DNA position 2962, C replaced by T.
Protein change: p.Gln988Ter; replaces glutamine 988 with a stop codon.
Molecular consequence: nonsense.
Genome position (GRCh38, 1-based): chr12:88,102,867, G>A on the plus strand (C>T on the coding strand, the complement: CEP290 is on the minus strand). VCF-style: chr12-88102867-G-A. GRCh37 (hg19) VCF-style: chr12-88496644-G-A.
Other names: short protein forms Q988*.
Identifiers: ClinVar variation 5015621 (VCV005015621.1).

ClinVar aggregate classification (germline): Pathogenic (1 of 4 stars; one submission).

Conditions:
CEP290-related ciliopathy. Also called: CEP290 ciliopathy. Identifiers: MedGen CN305601, MONDO:0100451.

gnomAD v4.1: 1 of 1,610,086 alleles (0.000062%); highest among the groups gnomAD compares: Non-Finnish European, 0.000085%; no homozygotes.

Submission:

Myriad Genetics, Inc.
Classification: Pathogenic for CEP290-related ciliopathy. Last evaluated: 2026-03-01. Review status: criteria provided, single submitter. Criteria: Myriad Autosomal Dominant, Autosomal Recessive and X-Linked Classification Criteria (2023). Collection method: clinical testing. Allele origin: unknown.
Comment: NM_025114.3(CEP290):c.2962C>T(Q988*) is expected to be pathogenic in the context of CEP290-related disorders. This variant is predicted to lead to an abnormal or absent protein product due to the creation of a premature termination codon in CEP290, a gene where loss-of-function variants are known to be pathogenic. Please note: this variant was assessed in the context of healthy population screening.